The following is an entry in ClinVar:

ClinVar aggregate classification (germline): Pathogenic (1 of 4 stars; one submission).

Conditions:
Hereditary cancer-predisposing syndrome. Also called: Neoplastic Syndromes, Hereditary; Tumor predisposition; Hereditary neoplastic syndrome; Hereditary Cancer Syndrome. Identifiers: Orphanet 140162, MedGen C0027672, MeSH D009386, MONDO:0015356.

Submission:

Color Diagnostics, LLC DBA Color Health
Classification: Pathogenic for Hereditary cancer-predisposing syndrome. Last evaluated: 2020-05-27. Review status: criteria provided, single submitter. Criteria: ACMG Guidelines, 2015. Collection method: clinical testing. Allele origin: germline.
Comment: This variant deletes 7 nucleotides in exon 4 of the MSH6 gene, creating a frameshift and premature translation stop signal. This variant is expected to result in an absent or non-functional protein product. To our knowledge, this variant has not been reported in individuals affected with hereditary cancer in the literature. This variant has not been identified in the general population by the Genome Aggregation Database (gnomAD). Loss of MSH6 function is a known mechanism of disease. Based on the available evidence, this variant is classified as Pathogenic.

NM_000179.3(MSH6):c.2149_2155del (p.Val717fs)

Gene: MSH6 (mutS homolog 6; plus strand). Cytogenetic location: 2p16.3.
Variant type: Deletion.
Coding change: c.2149_2155del on transcript NM_000179.3 (MANE Select); coding-DNA positions 2149 to 2155, 7 bases deleted (GTCAGCA; older notation c.2149_2155delGTCAGCA).
Protein change: p.Val717fs; shifts the reading frame from valine 717.
Molecular consequence: frameshift variant.
Genome position (GRCh38, 1-based): chr2:47,800,132-47,800,138, GTCAGCA deleted; deleting any 7 consecutive bases within chr2:47,800,130-47,800,138 gives the same sequence; the c. name uses the placement nearest the transcript's 3' end. VCF-style (leftmost placement, unchanged base first): chr2-47800129-ACAGTCAG-A. GRCh37 (hg19) VCF-style: chr2-48027268-ACAGTCAG-A.
Other names: c.1759_1765del, p.Val587fs (NM_001281492.2); c.1243_1249del, p.Val415fs (NM_001281493.2, NM_001281494.2); short protein forms V415fs, V587fs, V717fs.
Identifiers: ClinVar variation 627938 (VCV000627938.3), dbSNP rs1558664474, ClinGen allele CA913188061.